The following is an entry in ClinVar:

NM_001001563.3(TIMM50):c.125C>T

Gene: TIMM50 (translocase of inner mitochondrial membrane 50; plus strand). Cytogenetic location: 19q13.2.
Variant type: single nucleotide variant.
Coding change: c.125C>T on transcript NM_001001563.3; coding-DNA position 125, C replaced by T.
Genome position (GRCh38, 1-based): chr19:39,480,669, C>T. VCF-style: chr19-39480669-C-T. GRCh37 (hg19) VCF-style: chr19-39971309-C-T.
Identifiers: ClinVar variation 1514456 (VCV001514456.7), dbSNP rs765566612, ClinGen allele CA9431559.

ClinVar aggregate classification (germline): Uncertain significance. Review status: criteria provided, multiple submitters, no conflicts (2 of 4 stars). 3 submissions from 3 submitters: Uncertain significance (3). Last evaluated 2023-11-27.

Conditions:
3-Methylglutaconic aciduria. Identifiers: Orphanet 289902, MedGen C3696376, MONDO:0017359, HP:0003535.
Inborn genetic diseases. Identifiers: MedGen C0950123, MeSH D030342.

Allele frequency attached by ClinVar (database versions not stated): ExAC 0.00008; gnomAD 0.00011 and 0.00010.

Submissions (3):

Labcorp Genetics (formerly Invitae), Labcorp
Classification: Uncertain significance. Last evaluated: 2023-11-27. Review status: criteria provided, single submitter. Criteria: Invitae Variant Classification Sherloc (09022015). Collection method: clinical testing. Allele origin: germline.
Comment: This sequence change replaces serine with leucine at codon 42 of the TIMM50 protein (p.Ser42Leu). The serine residue is weakly conserved and there is a large physicochemical difference between serine and leucine. This variant is present in population databases (rs765566612, gnomAD 0.009%). This variant has not been reported in the literature in individuals affected with TIMM50-related conditions. ClinVar contains an entry for this variant (Variation ID: 1514456). An algorithm developed to predict the effect of missense changes on protein structure and function (PolyPhen-2) suggests that this variant¬†is likely to be tolerated. In summary, the available evidence is currently insufficient to determine the role of this variant in disease. Therefore, it has been classified as a Variant of Uncertain Significance.

Ambry Genetics
Classification: Uncertain significance for Inborn genetic diseases. Last evaluated: 2020-11-19. Review status: criteria provided, single submitter. Criteria: Ambry Variant Classification Scheme 2023. Collection method: clinical testing. Allele origin: germline.
Comment: The c.125C>T (p.S42L) alteration is located in exon 1 (coding exon 1) of the TIMM50 gene. This alteration results from a C to T substitution at nucleotide position 125, causing the serine (S) at amino acid position 42 to be replaced by a leucine (L). The p.S42L alteration is predicted to be tolerated by in silico analysis. Based on insufficient or conflicting evidence, the clinical significance of this alteration remains unclear.

Breakthrough Genomics
Classification: Uncertain significance. Review status: criteria provided, single submitter. Criteria: ACMG Guidelines, 2015. Collection method: not provided. Allele origin: germline. Inheritance: Autosomal dominant inheritance. Affected: yes.